The following is an entry in ClinVar:

ClinVar aggregate classification (germline): Pathogenic/Likely pathogenic. Review status: criteria provided, multiple submitters, no conflicts (2 of 4 stars). 3 submissions from 3 submitters: Pathogenic (2); Likely pathogenic (1). Last evaluated 2024-10-19.

Conditions:
Joubert syndrome 9 (JBTS9). Identifiers: Orphanet 2318, MedGen C2676788, MONDO:0012849, OMIM 612285.
Meckel syndrome, type 6. Identifiers: Orphanet 564, MedGen C2676790, MONDO:0012848, OMIM 612284.
Retinitis pigmentosa 93. Identifiers: MedGen C5676970, MONDO:0030797, OMIM 619845.
COACH syndrome 2. Identifiers: MedGen C5436837, MONDO:0030859, OMIM 619111.
Joubert syndrome and related disorders. Identifiers: Orphanet 140874, MedGen C5679612, MONDO:0015369.

Submissions (3):

Myriad Genetics, Inc.
Classification: Pathogenic for Joubert syndrome and related disorders. Last evaluated: 2024-10-19. Review status: criteria provided, single submitter. Criteria: Myriad Autosomal Dominant, Autosomal Recessive and X-Linked Classification Criteria (2023). Collection method: clinical testing. Allele origin: unknown.
Comment: NM_001080522.2(CC2D2A):c.1297_1299delCAGinsAA(Q433Nfs*25) is expected to be pathogenic in the context of CC2D2A-related disorders. This variant is predicted to lead to an abnormal or absent protein product due to the creation of a premature termination codon in CC2D2A, a gene where loss-of-function variants are known to be pathogenic. Please note: this variant was assessed in the context of healthy population screening.

Fulgent Genetics
Classification: Likely pathogenic for Meckel syndrome, type 6; Joubert syndrome 9; COACH syndrome 2; Retinitis pigmentosa 93. Last evaluated: 2021-12-01. Review status: criteria provided, single submitter. Criteria: ACMG Guidelines, 2015. Collection method: clinical testing. Allele origin: unknown.

Eurofins Ntd Llc (ga)
Classification: Pathogenic. Last evaluated: 2017-07-26. Review status: criteria provided, single submitter. Criteria: EGL Classification Definitions 2015. Collection method: clinical testing. Allele origin: germline. Observed: 1 variant allele, 1 heterozygote.

NM_001378615.1(CC2D2A):c.1297_1299delinsAA (p.Gln433fs)

Genes: CC2D2A (coiled-coil and C2 domain containing 2A; plus strand), FBXL5 (F-box and leucine rich repeat protein 5; minus strand). Cytogenetic location: 4p15.32.
Variant type: Indel.
Coding change: c.1297_1299delinsAA on transcript NM_001378615.1 (MANE Select); coding-DNA positions 1297 to 1299, CAG replaced by AA.
Protein change: p.Gln433fs; shifts the reading frame from glutamine 433.
Molecular consequence: frameshift variant.
Genome position (GRCh38, 1-based): chr4:15,527,594-15,527,596, CAG replaced by AA. VCF-style: chr4-15527594-CAG-AA. GRCh37 (hg19) VCF-style: chr4-15529217-CAG-AA.
Other names: c.1297_1299delinsAA, p.Gln433fs (NM_001080522.2); c.1150_1152delinsAA, p.Gln384fs (NM_001378617.1); short protein forms Q433fs, Q384fs.
Identifiers: ClinVar variation 593430 (VCV000593430.7), dbSNP rs1560166511, ClinGen allele CA913189467.